The following is an entry in ClinVar:

NC_000014.8:g.(?_68195898)_(68200575_?)del

Gene: RDH12 (retinol dehydrogenase 12; plus strand). Cytogenetic location: 14q24.1.
Variant type: Deletion.
Identifiers: ClinVar variation 1066021 (VCV001066021.7).

ClinVar aggregate classification (germline): Likely pathogenic (1 of 4 stars; one submission).

Conditions:
Leber congenital amaurosis 13 (LCA13). Identifiers: MedGen C2675186, MONDO:0012990, OMIM 612712.

Submission:

Labcorp Genetics (formerly Invitae), Labcorp
Classification: Likely pathogenic for Leber congenital amaurosis 13. Last evaluated: 2020-06-13. Review status: criteria provided, single submitter. Criteria: Invitae Variant Classification Sherloc (09022015). Collection method: clinical testing. Allele origin: germline.
Comment: This variant is a gross deletion of the genomic region encompassing exon(s) 8-9 of the RDH12 gene. The 5' boundary is likely confined to intron 7. The 3' end of this event is unknown as it extends through the termination codon beyond the assayed region for this gene and may encompass additional genes. While this deletion is not anticipated to result in nonsense mediated decay, it is expected to create a truncated protein product or disrupt mRNA translation. This variant has not been reported in the literature in individuals with RDH12-related conditions. This variant disrupts the p.Val233Leu amino acid residue in RDH12. Other variant(s) that disrupt this residue have been determined to be pathogenic (PMID: 29178642, 25910913, 30372751). This suggests that this residue is clinically significant, and that variants that disrupt this residue are likely to be disease-causing. In summary, the currently available evidence indicates that the variant is pathogenic, but additional data are needed to prove that conclusively. Therefore, this variant has been classified as Likely Pathogenic.

Literature cited by the submitters: PubMed 29178642; PubMed 25910913; PubMed 30372751.